The following is an entry in ClinVar:

ClinVar aggregate classification (germline): Conflicting classifications of pathogenicity. Review status: criteria provided, conflicting classifications (1 of 4 stars). 5 submissions from 5 submitters: Uncertain significance (1); Benign (1); Likely benign (3). Last evaluated 2026-07-01.

Conditions:
Landau-Kleffner syndrome (FESD). Also called: APHASIA, ACQUIRED, WITH EPILEPSY; EPILEPSY, FOCAL, WITH SPEECH DISORDER AND WITH OR WITHOUT MENTAL RETARDATION. Identifiers: Orphanet 1945, Orphanet 725, Orphanet 98818, MedGen C0282512, MONDO:0009509, OMIM 245570.

Allele frequency attached by ClinVar (database versions not stated): gnomAD exomes 0.00004 and 0.00020; gnomAD 0.00007 and 0.00009; TOPMed 0.00014; ExAC 0.00019; 1000 Genomes Project 0.00060; 1000 Genomes Project 30x 0.00078.
gnomAD v4.1: 71 of 1,614,108 alleles (0.0044%); highest among the groups gnomAD compares: East Asian, 0.15%; no homozygotes.

Submissions (5):

CeGaT Center for Human Genetics Tuebingen
Classification: Likely benign. Last evaluated: 2026-07-01. Review status: criteria provided, single submitter. Criteria: CeGaT Center For Human Genetics Tuebingen Variant Classification Criteria Version 2. Collection method: clinical testing. Allele origin: germline. Affected: yes. Observed: 1 variant allele.
Comment: GRIN2A: BS2

Labcorp Genetics (formerly Invitae), Labcorp
Classification: Likely benign for Landau-Kleffner syndrome. Last evaluated: 2025-02-03. Review status: criteria provided, single submitter. Criteria: Invitae Variant Classification Sherloc (09022015). Collection method: clinical testing. Allele origin: germline.

GeneDx
Classification: Benign. Last evaluated: 2019-12-19. Review status: criteria provided, single submitter. Criteria: GeneDx Variant Classification Process June 2021. Collection method: clinical testing. Allele origin: germline. Affected: yes.
Comment: This variant is associated with the following publications: (PMID: 32613771)

Genetic Services Laboratory, University of Chicago
Classification: Uncertain significance. Last evaluated: 2014-08-20. Review status: criteria provided, single submitter. Criteria: ACMG Guidelines, 2015. Collection method: clinical testing. Allele origin: germline.

Juno Genomics, Hangzhou Juno Genomics, Inc
Classification: Likely benign for Landau-Kleffner syndrome. Review status: criteria provided, single submitter. Criteria: ACMG Guidelines, 2015. Collection method: clinical testing. Allele origin: germline.
Comment: Multiple lines of computational evidence suggest no impact on gene or gene product.;Missense variant in a gene that has a low rate of benign missense variation.

NM_001134407.3(GRIN2A):c.2636A>G (p.Lys879Arg)

Gene: GRIN2A (glutamate ionotropic receptor NMDA type subunit 2A; minus strand). Cytogenetic location: 16p13.2.
Variant type: single nucleotide variant.
Coding change: c.2636A>G on transcript NM_001134407.3 (MANE Select); coding-DNA position 2636, A replaced by G.
Protein change: p.Lys879Arg; replaces lysine 879 with arginine.
Molecular consequence: missense variant.
Genome position (GRCh38, 1-based): chr16:9,764,908, T>C on the plus strand (A>G on the coding strand, the complement: GRIN2A is on the minus strand). VCF-style: chr16-9764908-T-C. GRCh37 (hg19) VCF-style: chr16-9858765-T-C.
Other names: c.2636A>G, p.Lys879Arg (NM_000833.5, NM_001134408.2); short protein forms K879R.
Identifiers: ClinVar variation 211115 (VCV000211115.25), dbSNP rs183029507, ClinGen allele CA209072.